The following is an entry in ClinVar:

NM_004813.4(PEX16):c.*10C>T

Gene: PEX16 (peroxisomal biogenesis factor 16; minus strand). Cytogenetic location: 11p11.2.
Variant type: single nucleotide variant.
Coding change: c.*10C>T on transcript NM_004813.4 (MANE Select); 10 bases downstream of the stop codon, C replaced by T.
Molecular consequence: 3 prime UTR variant. On other transcripts: intron variant (1).
Genome position (GRCh38, 1-based): chr11:45,910,244, G>A on the plus strand (C>T on the coding strand, the complement: PEX16 is on the minus strand). VCF-style: chr11-45910244-G-A. GRCh37 (hg19) VCF-style: chr11-45931795-G-A.
Other names: c.953-67C>T (NM_057174.3).
Identifiers: ClinVar variation 281167 (VCV000281167.10), dbSNP rs201127195, ClinGen allele CA5959713.

ClinVar aggregate classification (germline): Benign/Likely benign. Review status: criteria provided, multiple submitters, no conflicts (2 of 4 stars). 3 submissions from 3 submitters: Benign (1); Likely benign (2). Last evaluated 2024-07-18.

Conditions:
Peroxisome biogenesis disorder 8A (Zellweger). Also called: Peroxisome biogenesis disorder 8A. Identifiers: Orphanet 912, MedGen C3553959, MONDO:0013942, OMIM 614876.

Allele frequency attached by ClinVar (database versions not stated): gnomAD exomes 0.00017 and 0.00053; ExAC 0.00067; ESP Exome Variant Server 0.00169; gnomAD 0.00185 and 0.00197; TOPMed 0.00221; 1000 Genomes Project 0.00260; 1000 Genomes Project 30x 0.00281.
gnomAD v4.1: 545 of 1,606,102 alleles (0.034%); highest among the groups gnomAD compares: African/African-American, 0.58%; 3 homozygotes.

Submissions (3):

Blueprint Genetics
Classification: Likely benign. Last evaluated: 2024-07-18. Review status: criteria provided, single submitter. Criteria: ACMG Guidelines, 2015. Collection method: clinical testing. Allele origin: germline.

Illumina Laboratory Services, Illumina
Classification: Likely benign for Peroxisome biogenesis disorder 8A (Zellweger). Last evaluated: 2018-01-12. Review status: criteria provided, single submitter. Criteria: ICSL Variant Classification Criteria 13 December 2019. Collection method: clinical testing. Allele origin: germline.
Comment: This variant was observed in the ICSL laboratory as part of a predisposition screen in an ostensibly healthy population. It had not been previously curated by ICSL or reported in the Human Gene Mutation Database (HGMD: prior to June 1st, 2018), and was therefore a candidate for classification through an automated scoring system. Utilizing variant allele frequency, disease prevalence and penetrance estimates, and inheritance mode, an automated score was calculated to assess if this variant is too frequent to cause the disease. Based on the score and internal cut-off values, a variant classified as likely benign is not then subjected to further curation. The score for this variant resulted in a classification of likely benign for this disease.

Eurofins Ntd Llc (ga)
Classification: Benign. Last evaluated: 2016-07-26. Review status: criteria provided, single submitter. Criteria: EGL Classification Definitions 2015. Collection method: clinical testing. Allele origin: germline. Observed: 1 variant allele, 1 heterozygote.